The following is an entry in ClinVar:

ClinVar aggregate classification (germline): Pathogenic/Likely pathogenic. Review status: criteria provided, multiple submitters, no conflicts (2 of 4 stars). 5 submissions from 5 submitters: Pathogenic (4); Likely pathogenic (1). Last evaluated 2026-09-08.

Conditions:
Cardiovascular phenotype. Identifiers: MedGen CN230736.
Fabry disease. Also called: GLA DEFICIENCY; Fabry's disease; ALPHA-GALACTOSIDASE A DEFICIENCY; ANDERSON-FABRY DISEASE; CERAMIDE TRIHEXOSIDASE DEFICIENCY; Ceramide trihexosidosis. Identifiers: Orphanet 324, MedGen C0002986, MONDO:0010526, OMIM 301500, HP:0001071. Disease mechanism: Fabry disease is due to inactivating mutations in the X-linked GLA gene resulting in deficiency of the enzyme Alpha Galactosidase-A., loss of function.

Submissions (5):

Genomenon, Inc
Classification: Pathogenic for Fabry disease. Last evaluated: 2026-09-08. Review status: criteria provided, single submitter. Criteria: Genomenon Sequence Variant Interpretation Standards - Updated. Collection method: curation. Allele origin: germline. Affected: yes.
Comment: GLA p.Gly147Arg (c.439G>A) is a missense variant that changes the amino acid at codon 147 from Glycine to Arginine. This variant has been observed in at least one proband with clinical features consistent with Fabry disease (PMID:15776423;23332617;34877240;33961096). The variant was found to segregate with disease in at least one affected family (PMID:23332617;34877240). At least one functional study has demonstrated a substantial alteration in protein function relative to the wild-type (PMID:32023956;27657681). It is absent or not present at a significant frequency in gnomAD. In silico models predict that this variant is possibly or probably damaging. In conclusion, we classify GLA p.Gly147Arg (c.439G>A) as a pathogenic variant.

Natera, Inc.
Classification: Pathogenic for Fabry disease. Last evaluated: 2026-01-23. Review status: criteria provided, single submitter. Criteria: Natera Variant Classification Schema (03/2026). Collection method: clinical testing. Allele origin: germline.
Comment: The c.439G>A variant in GLA is a missense variant predicted to cause substitution of glycine to arginine at amino acid 147. This variant is rare in the general population with a frequency below the threshold expected for the associated phenotype(s). This variant has been observed in affected individual(s) with monoallelic occurrence (heterozygous/hemizygous) (PMID: 17187618, 19346951, 23332617, 23935525, 34877240, 33961096). Additionally, this variant has been observed to segregate in affected family members (PMID: 23332617, 34877240). Functional studies show that this variant may disrupt protein function (PMID: 23935525). Computational prediction algorithms indicate this variant is likely to affect gene or protein function. Given the available evidence, this variant is classified as Pathogenic.

Labcorp Genetics (formerly Invitae), Labcorp
Classification: Pathogenic for Fabry disease. Last evaluated: 2025-05-05. Review status: criteria provided, single submitter. Criteria: Invitae Variant Classification Sherloc (09022015). Collection method: clinical testing. Allele origin: germline.
Comment: This sequence change replaces glycine, which is neutral and non-polar, with arginine, which is basic and polar, at codon 147 of the GLA protein (p.Gly147Arg). This variant is not present in population databases (gnomAD no frequency). This missense change has been observed in individuals with Fabry disease (PMID: 23332617, 27083555; internal data). ClinVar contains an entry for this variant (Variation ID: 495692). Invitae Evidence Modeling of protein sequence and biophysical properties (such as structural, functional, and spatial information, amino acid conservation, physicochemical variation, residue mobility, and thermodynamic stability) indicates that this missense variant is expected to disrupt GLA protein function with a positive predictive value of 80%. Experimental studies have shown that this missense change affects GLA function (PMID: 23935525). This variant disrupts the p.Gly147 amino acid residue in GLA. Other variant(s) that disrupt this residue have been determined to be pathogenic (PMID: 30386727, 31860127, 32797665, 32843101). This suggests that this residue is clinically significant, and that variants that disrupt this residue are likely to be disease-causing. For these reasons, this variant has been classified as Pathogenic.

Ambry Genetics
Classification: Likely pathogenic for Cardiovascular phenotype. Last evaluated: 2024-12-17. Review status: criteria provided, single submitter. Criteria: Ambry Variant Classification Scheme 2023. Collection method: clinical testing. Allele origin: germline.
Comment: The p.G147R variant (also known as c.439G>A), located in coding exon 3 of the GLA gene, results from a G to A substitution at nucleotide position 439. The glycine at codon 147 is replaced by arginine, an amino acid with dissimilar properties. This variant was reported in individual(s) with features consistent with Fabry disease (Sch&auml;fer E et al. Hum Mutat, 2005 Apr;25:412; Ramaswami U et al. Acta Paediatr, 2007 Jan;96:122-7; Lenders M et al. Orphanet J Rare Dis, 2016 Jun;11:88; Verrecchia E et al. Eur J Intern Med, 2016 Jul;32:26-30; Graziani F et al. J Am Soc Echocardiogr, 2017 Mar;30:282-291; Houb T et al. Intractable Rare Dis Res, 2021 Nov;10:276-282). In multiple assays testing GLA function, this variant showed functionally abnormal results (Benjamin ER et al. Genet Med, 2017 Apr;19:430-438; Lukas J et al. Int J Mol Sci, 2020 Jan;21:[ePub ahead of print]; Lukas J et al. PLoS Genet, 2013 Aug;9:e1003632). This variant is considered to be rare based on population cohorts in the Genome Aggregation Database (gnomAD). This amino acid position is highly conserved in available vertebrate species. In addition, this alteration is predicted to be deleterious by in silico analysis. Based on the majority of available evidence to date, this variant is likely to be pathogenic.

Women's Health and Genetics/Laboratory Corporation of America, LabCorp
Classification: Pathogenic for Fabry disease. Last evaluated: 2016-05-23. Review status: criteria provided, single submitter. Criteria: LabCorp Variant Classification Summary - May 2015. Collection method: clinical testing. Allele origin: germline.
Comment: Variant summary: The GLA c.439G>A (p.Gly147Arg) variant involves the alteration of a conserved nucleotide. 5/5 in silico tools predict a damaging outcome for this variant. This variant is absent from the large and broad dataset of ExAC (~0/ 87763 control chromosomes) but has been reported in affected individuals with enzymatically confirmed dx of Fabre Disease (Verrecchia_2016). In vitro studies using site directed mutagenesis also show absent enzyme activity (Lukas_2013). Taken together, this variant is classified as Pathogenic.

Literature cited by the submitters: PubMed 15776423 (cited by 3 submitters); PubMed 23332617 (cited by 4 submitters); PubMed 34877240 (cited by 3 submitters); PubMed 33961096 (cited by Genomenon, Inc and Natera, Inc.); PubMed 32023956 (cited by Genomenon, Inc and Ambry Genetics); PubMed 27657681 (cited by Genomenon, Inc and Ambry Genetics); PubMed 17187618 (cited by Natera, Inc. and Ambry Genetics); PubMed 19346951 (cited by Natera, Inc.); PubMed 23935525 (cited by 4 submitters); PubMed 27083555 (cited by 3 submitters); PubMed 30386727 (cited by Labcorp Genetics (formerly Invitae), Labcorp); PubMed 31860127 (cited by Labcorp Genetics (formerly Invitae), Labcorp); PubMed 32797665 (cited by Labcorp Genetics (formerly Invitae), Labcorp); PubMed 32843101 (cited by Labcorp Genetics (formerly Invitae), Labcorp); PubMed 27356758 (cited by Ambry Genetics); PubMed 28069318 (cited by Ambry Genetics); PubMed 25382311 (cited by Women's Health and Genetics/Laboratory Corporation of America, LabCorp); PubMed 25663229 (cited by Women's Health and Genetics/Laboratory Corporation of America, LabCorp).

NM_000169.3(GLA):c.439G>A (p.Gly147Arg)

Genes: GLA (galactosidase alpha; minus strand), RPL36A-HNRNPH2 (RPL36A-HNRNPH2 readthrough; plus strand). Cytogenetic location: Xq22.1.
Variant type: single nucleotide variant.
Coding change: c.439G>A on transcript NM_000169.3 (MANE Select); coding-DNA position 439, G replaced by A.
Protein change: p.Gly147Arg; replaces glycine 147 with arginine.
Molecular consequence: missense variant. On other transcripts: non-coding transcript variant (3), intron variant (2).
Genome position (GRCh38, 1-based): chrX:101,401,740, C>T on the plus strand (G>A on the coding strand, the complement: GLA is on the minus strand). VCF-style: chrX-101401740-C-T. GRCh37 (hg19) VCF-style: chrX-100656728-C-T.
Other names: c.562G>A, p.Gly188Arg (NM_001406747.1, NM_001406749.1); c.439G>A, p.Gly147Arg (NM_001406748.1); c.300+6283C>T (NM_001199973.2); c.177+9918C>T (NM_001199974.2); short protein forms G147R, G188R.
Identifiers: ClinVar variation 495692 (VCV000495692.7), dbSNP rs1555985830, ClinGen allele CA413929962.